The following is an entry in ClinVar:

NM_001271.4(CHD2):c.3938G>A (p.Arg1313Gln)

Gene: CHD2 (chromodomain helicase DNA binding protein 2; plus strand). Cytogenetic location: 15q26.1.
Variant type: single nucleotide variant.
Coding change: c.3938G>A on transcript NM_001271.4 (MANE Select); coding-DNA position 3938, G replaced by A.
Protein change: p.Arg1313Gln; replaces arginine 1313 with glutamine.
Molecular consequence: missense variant.
Genome position (GRCh38, 1-based): chr15:92,998,551, G>A. VCF-style: chr15-92998551-G-A. GRCh37 (hg19) VCF-style: chr15-93541781-G-A.
Other names: short protein forms R1313Q.
Identifiers: ClinVar variation 430536 (VCV000430536.10), dbSNP rs1131692012, ClinGen allele CA393899430.

ClinVar aggregate classification (germline): Conflicting classifications of pathogenicity. Review status: criteria provided, conflicting classifications (1 of 4 stars). 2 submissions from 2 submitters: Pathogenic (1); Uncertain significance (1). Last evaluated 2022-08-16.

Conditions:
Developmental and epileptic encephalopathy 94 (DEE94). Also called: CHD2-Related Neurodevelopmental Disorders; Epileptic encephalopathy, childhood-onset. Identifiers: Orphanet 1942, Orphanet 2382, MedGen C3809278, MONDO:0014150, OMIM 615369.

Submissions (2):

Labcorp Genetics (formerly Invitae), Labcorp
Classification: Pathogenic for Developmental and epileptic encephalopathy 94. Last evaluated: 2022-08-16. Review status: criteria provided, single submitter. Criteria: Invitae Variant Classification Sherloc (09022015). Collection method: clinical testing. Allele origin: germline.
Comment: ClinVar contains an entry for this variant (Variation ID: 430536). Algorithms developed to predict the effect of missense changes on protein structure and function are either unavailable or do not agree on the potential impact of this missense change (SIFT: "Deleterious"; PolyPhen-2: "Probably Damaging"; Align-GVGD: "Class C0"). This variant disrupts the p.Arg1313 amino acid residue in CHD2. Other variant(s) that disrupt this residue have been determined to be pathogenic (Invitae). This suggests that this residue is clinically significant, and that variants that disrupt this residue are likely to be disease-causing. For these reasons, this variant has been classified as Pathogenic. This missense change has been observed in individual(s) with clinical features of CHD2-related conditions (Invitae). In at least one individual the variant was observed to be de novo. This sequence change replaces arginine, which is basic and polar, with glutamine, which is neutral and polar, at codon 1313 of the CHD2 protein (p.Arg1313Gln). This variant is not present in population databases (gnomAD no frequency).

GeneDx
Classification: Uncertain significance. Last evaluated: 2017-05-01. Review status: criteria provided, single submitter. Criteria: GeneDx Variant Classification (06012015). Collection method: clinical testing. Allele origin: germline. Affected: yes.
Comment: The R1313Q variant has not been published as a pathogenic variant, nor has it been reported as a benign variant to our knowledge. However, a different missense variant at the same position (R1313G) has been reported previously in an individual with photosensitive epilepsy (Galizia et al., 2015). The R1313Q variant is not observed in large population cohorts (Lek et al., 2016; 1000 Genomes Consortium et al., 2015; Exome Variant Server). The R1313Q variant is a semi-conservative amino acid substitution, which may impact secondary protein structure as these residues differ in some properties. This substitution occurs at a position that is conserved across species, and in silico analysis predicts this variant is probably damaging to the protein structure/function. Based on the currently available information, it is unclear whether this variant is a pathogenic variant or a rare benign variant.